The following is an entry in ClinVar:

ClinVar aggregate classification (germline): Likely benign (1 of 4 stars; one submission).

Submission:

GeneDx
Classification: Likely benign. Last evaluated: 2017-06-14. Review status: criteria provided, single submitter. Criteria: GeneDx Variant Classification (06012015). Collection method: clinical testing. Allele origin: germline. Affected: yes.
Comment: This variant is considered likely benign or benign based on one or more of the following criteria: it is a conservative change, it occurs at a poorly conserved position in the protein, it is predicted to be benign by multiple in silico algorithms, and/or has population frequency not consistent with disease.

NM_001848.3(COL6A1):c.423C>A (p.Leu141=)

Gene: COL6A1 (collagen type VI alpha 1 chain; plus strand). Cytogenetic location: 21q22.3.
Variant type: single nucleotide variant.
Coding change: c.423C>A on transcript NM_001848.3 (MANE Select); coding-DNA position 423, C replaced by A.
Protein change: p.Leu141=; no amino-acid change (leucine 141 retained).
Molecular consequence: synonymous variant.
Genome position (GRCh38, 1-based): chr21:45,984,464, C>A. VCF-style: chr21-45984464-C-A. GRCh37 (hg19) VCF-style: chr21-47404378-C-A.
Identifiers: ClinVar variation 510074 (VCV000510074.1), dbSNP rs373486149, ClinGen allele CA513169215.